The following is an entry in ClinVar:

ClinVar aggregate classification (germline): Uncertain significance. Review status: criteria provided, multiple submitters, no conflicts (2 of 4 stars). 2 submissions from 2 submitters: Uncertain significance (2). Last evaluated 2023-08-04.

Conditions:
ZTTK syndrome (ZTTKS). Also called: Zhu-Tokita-Takenouchi-Kim Syndrome; ZTTK MULTIPLE CONGENITAL ANOMALIES-MENTAL RETARDATION SYNDROME. Identifiers: Orphanet 500150, MedGen C4310696, MONDO:0014936, OMIM 617140.

Submissions (2):

Labcorp Genetics (formerly Invitae), Labcorp
Classification: Uncertain significance. Last evaluated: 2023-08-04. Review status: criteria provided, single submitter. Criteria: Invitae Variant Classification Sherloc (09022015). Collection method: clinical testing. Allele origin: germline.
Comment: In summary, the available evidence is currently insufficient to determine the role of this variant in disease. Therefore, it has been classified as a Variant of Uncertain Significance. An algorithm developed to predict the effect of missense changes on protein structure and function (PolyPhen-2) suggests that this variant is likely to be disruptive. ClinVar contains an entry for this variant (Variation ID: 2436222). This variant has not been reported in the literature in individuals affected with SON-related conditions. This variant is not present in population databases (gnomAD no frequency). This sequence change replaces glutamic acid, which is acidic and polar, with lysine, which is basic and polar, at codon 66 of the SON protein (p.Glu66Lys).

Revvity Omics, Revvity
Classification: Uncertain significance for ZTTK syndrome. Last evaluated: 2021-05-22. Review status: criteria provided, single submitter. Criteria: ACMG Guidelines, 2015. Collection method: clinical testing. Allele origin: germline.

NM_138927.4(SON):c.196G>A (p.Glu66Lys)

Gene: SON (SON DNA and RNA binding protein; plus strand). Cytogenetic location: 21q22.11.
Variant type: single nucleotide variant.
Coding change: c.196G>A on transcript NM_138927.4 (MANE Select); coding-DNA position 196, G replaced by A.
Protein change: p.Glu66Lys; replaces glutamic acid 66 with lysine.
Molecular consequence: missense variant. On other transcripts: non-coding transcript variant (1).
Genome position (GRCh38, 1-based): chr21:33,546,331, G>A. VCF-style: chr21-33546331-G-A. GRCh37 (hg19) VCF-style: chr21-34918637-G-A.
Other names: c.196G>A, p.Glu66Lys (NM_001291411.2, NM_001291412.3, NM_001412132.1 and 4 more transcripts); short protein forms E66K.
Identifiers: ClinVar variation 2436222 (VCV002436222.6), dbSNP rs2517326891, ClinGen allele CA410149448.